The following is an entry in ClinVar:

ClinVar aggregate classification (germline): Benign/Likely benign. Review status: criteria provided, multiple submitters, no conflicts (2 of 4 stars). 5 submissions from 5 submitters: Benign (2); Likely benign (3). Last evaluated 2026-04-01.

Conditions:
Collagen 6-related myopathy. Identifiers: MedGen CN117976, MONDO:0100225.
Bethlem myopathy 1A. Also called: Bethlem Muscular Dystrophy; Bethlem myopathy 1; MYOPATHY, BENIGN CONGENITAL, WITH CONTRACTURES. Identifiers: Orphanet 610, MedGen CN029274, MONDO:0024530, OMIM 158810.

Allele frequency attached by ClinVar (database versions not stated): TOPMed 0.00144; 1000 Genomes Project 0.00200; 1000 Genomes Project 30x 0.00219.
gnomAD v4.1: 575 of 1,595,502 alleles (0.036%); highest among the groups gnomAD compares: African/African-American, 0.7%; 4 homozygotes.

Submissions (5):

CeGaT Center for Human Genetics Tuebingen
Classification: Likely benign. Last evaluated: 2026-04-01. Review status: criteria provided, single submitter. Criteria: CeGaT Center For Human Genetics Tuebingen Variant Classification Criteria Version 2. Collection method: clinical testing. Allele origin: germline. Affected: yes. Observed: 2 variant alleles.
Comment: COL6A2: BP4, BS2

Labcorp Genetics (formerly Invitae), Labcorp
Classification: Likely benign for Bethlem myopathy 1A. Last evaluated: 2026-01-15. Review status: criteria provided, single submitter. Criteria: Invitae Variant Classification Sherloc (09022015). Collection method: clinical testing. Allele origin: germline.

GeneDx
Classification: Likely benign. Last evaluated: 2021-01-28. Review status: criteria provided, single submitter. Criteria: GeneDx Variant Classification Process June 2021. Collection method: clinical testing. Allele origin: germline. Affected: yes.
Comment: Has not been previously published as pathogenic or benign to our knowledge

Illumina Laboratory Services, Illumina
Classification: Benign for Collagen VI-related myopathy. Last evaluated: 2018-01-12. Review status: criteria provided, single submitter. Criteria: ICSL Variant Classification Criteria 13 December 2019. Collection method: clinical testing. Allele origin: germline.
Comment: This variant was observed in the ICSL laboratory as part of a predisposition screen in an ostensibly healthy population. It had not been previously curated by ICSL or reported in the Human Gene Mutation Database (HGMD: prior to June 1st, 2018), and was therefore a candidate for classification through an automated scoring system. Utilizing variant allele frequency, disease prevalence and penetrance estimates, and inheritance mode, an automated score was calculated to assess if this variant is too frequent to cause the disease. Based on the score and internal cut-off values, a variant classified as benign is not then subjected to further curation. The score for this variant resulted in a classification of benign for this disease.

Eurofins Ntd Llc (ga)
Classification: Benign. Last evaluated: 2015-02-20. Review status: criteria provided, single submitter. Criteria: EGL Classification Definitions 2015. Collection method: clinical testing. Allele origin: germline. Observed: 2 variant alleles, 2 heterozygotes.

NM_001849.4(COL6A2):c.2605G>A (p.Asp869Asn)

Gene: COL6A2 (collagen type VI alpha 2 chain; plus strand). Cytogenetic location: 21q22.3.
Variant type: single nucleotide variant.
Coding change: c.2605G>A on transcript NM_001849.4 (MANE Select); coding-DNA position 2605, G replaced by A.
Protein change: p.Asp869Asn; replaces aspartic acid 869 with asparagine.
Molecular consequence: missense variant.
Genome position (GRCh38, 1-based): chr21:46,132,097, G>A. VCF-style: chr21-46132097-G-A. GRCh37 (hg19) VCF-style: chr21-47552011-G-A.
Identifiers: ClinVar variation 166935 (VCV000166935.78), dbSNP rs141021828, ClinGen allele CA179918.